The following is an entry in ClinVar:

ClinVar aggregate classification (germline): Uncertain significance. Review status: criteria provided, multiple submitters, no conflicts (2 of 4 stars). 3 submissions from 3 submitters: Uncertain significance (3). Last evaluated 2025-08-07.

Conditions:
T-cell immunodeficiency, congenital alopecia, and nail dystrophy. Also called: Congenital alopecia and nail dystrophy associated with severe functional T-cell immunodeficiency; Pignata Guarino syndrome. Identifiers: Orphanet 169095, MedGen C1866426, MONDO:0011132, OMIM 601705.
Inborn genetic diseases. Identifiers: MedGen C0950123, MeSH D030342.

Allele frequency attached by ClinVar (database versions not stated): ExAC 0.00001; TOPMed 0.00007.
gnomAD v4.1: 59 of 1,608,716 alleles (0.0037%); highest among the groups gnomAD compares: Admixed American, 0.05%; no homozygotes.

Submissions (3):

Dasa
Classification: Uncertain significance. Last evaluated: 2025-08-07. Review status: criteria provided, single submitter. Criteria: DASA Assertion Criteria. Collection method: clinical testing. Allele origin: germline.
Comment: NM_001369369.1(FOXN1):c.685C>T (p.Pro229Ser) is a missense variant that results in the substitution of proline with serine. This variant is rare in population databases. The currently available literature and clinical evidence are not sufficient to establish a definitive association between this variant and the reported condition. Therefore, this variant is classified as a variant of uncertain significance.

Labcorp Genetics (formerly Invitae), Labcorp
Classification: Uncertain significance for T-cell immunodeficiency, congenital alopecia, and nail dystrophy. Last evaluated: 2024-11-18. Review status: criteria provided, single submitter. Criteria: Invitae Variant Classification Sherloc (09022015). Collection method: clinical testing. Allele origin: germline.
Comment: This sequence change replaces proline, which is neutral and non-polar, with serine, which is neutral and polar, at codon 229 of the FOXN1 protein (p.Pro229Ser). This variant is present in population databases (rs763958930, gnomAD 0.003%). This variant has not been reported in the literature in individuals affected with FOXN1-related conditions. ClinVar contains an entry for this variant (Variation ID: 1038734). An algorithm developed to predict the effect of missense changes on protein structure and function (PolyPhen-2) suggests that this variant¬†is likely to be tolerated. In summary, the available evidence is currently insufficient to determine the role of this variant in disease. Therefore, it has been classified as a Variant of Uncertain Significance.

Ambry Genetics
Classification: Uncertain significance for Inborn genetic diseases. Last evaluated: 2024-06-26. Review status: criteria provided, single submitter. Criteria: Ambry Variant Classification Scheme 2023. Collection method: clinical testing. Allele origin: germline.

NM_001369369.1(FOXN1):c.685C>T (p.Pro229Ser)

Gene: FOXN1 (forkhead box N1; plus strand). Cytogenetic location: 17q11.2.
Variant type: single nucleotide variant.
Coding change: c.685C>T on transcript NM_001369369.1 (MANE Select); coding-DNA position 685, C replaced by T.
Protein change: p.Pro229Ser; replaces proline 229 with serine.
Molecular consequence: missense variant.
Genome position (GRCh38, 1-based): chr17:28,527,347, C>T. VCF-style: chr17-28527347-C-T. GRCh37 (hg19) VCF-style: chr17-26854365-C-T.
Other names: c.685C>T, p.Pro229Ser (NM_003593.3); c.685C>T (NM_003593.2); short protein forms P229S.
Identifiers: ClinVar variation 1038734 (VCV001038734.8), dbSNP rs763958930, ClinGen allele CA8459290.